The following is an entry in ClinVar:

ClinVar aggregate classification (germline): Uncertain significance. Review status: criteria provided, multiple submitters, no conflicts (2 of 4 stars). 3 submissions from 3 submitters: Uncertain significance (3). Last evaluated 2026-01-28.

Conditions:
Familial sleep-related hypermotor epilepsy. Also called: Autosomal Dominant Sleep-Related Hypermotor (Hyperkinetic) Epilepsy. Identifiers: Orphanet 98784, MedGen C3696898, MONDO:0000030.
CHRNA4-related disorder. Also called: CHRNA4-related condition.

Allele frequency attached by ClinVar (database versions not stated): TOPMed below 0.00001; gnomAD exomes 0.00002.

Submissions (3):

Labcorp Genetics (formerly Invitae), Labcorp
Classification: Uncertain significance. Last evaluated: 2026-01-28. Review status: criteria provided, single submitter. Criteria: Invitae Variant Classification Sherloc (09022015). Collection method: clinical testing. Allele origin: germline.
Comment: This sequence change affects the initiator codon of the CHRNA4 mRNA. This change may impact translation initiation or efficiency. The next in-frame methionine is located at codon 82. This variant is not present in population databases (gnomAD no frequency). This variant has not been reported in the literature in individuals affected with CHRNA4-related conditions. ClinVar contains an entry for this variant (Variation ID: 1335859). Experimental studies and prediction algorithms are not available or were not evaluated, and the functional significance of this variant is currently unknown. In summary, the available evidence is currently insufficient to determine the role of this variant in disease. Therefore, it has been classified as a Variant of Uncertain Significance.

GeneDx
Classification: Uncertain significance. Last evaluated: 2025-08-04. Review status: criteria provided, single submitter. Criteria: GeneDx Variant Classification Process June 2021. Collection method: clinical testing. Allele origin: germline. Affected: yes.
Comment: Not observed in large population cohorts (gnomAD); Initiation codon variant in a gene for which loss-of-function is not a known mechanism of disease; Has not been previously published as pathogenic or benign to our knowledge

PreventionGenetics, part of Exact Sciences
Classification: Uncertain significance for CHRNA4-related condition. Last evaluated: 2023-07-20. Review status: criteria provided, single submitter. Criteria: ACMG Guidelines, 2015. Collection method: clinical testing. Allele origin: germline.
Comment: The CHRNA4 c.2T>C variant is predicted to disrupt the translation initiation site (Start loss). To our knowledge, this variant has not been reported in the literature or in a large population database, indicating this variant is rare. At this time, the clinical significance of this variant is uncertain due to the absence of conclusive functional and genetic evidence.

NM_000744.7(CHRNA4):c.2T>C (p.Met1Thr)

Genes: CHRNA4 (cholinergic receptor nicotinic alpha 4 subunit; minus strand), LOC100130587 (uncharacterized LOC100130587; plus strand). Cytogenetic location: 20q13.33.
Variant type: single nucleotide variant.
Coding change: c.2T>C on transcript NM_000744.7 (MANE Select); coding-DNA position 2, T replaced by C.
Protein change: p.Met1Thr; changes the start codon (methionine 1).
Molecular consequence: missense variant, initiator codon variant. On other transcripts: non-coding transcript variant (1), intron variant (1).
Genome position (GRCh38, 1-based): chr20:63,361,164, A>G on the plus strand (T>C on the coding strand, the complement: CHRNA4 is on the minus strand). VCF-style: chr20-63361164-A-G. GRCh37 (hg19) VCF-style: chr20-61992516-A-G.
Other names: c.-471+13T>C (NM_001256573.2); c.2T>C (NM_000744.6); short protein forms M1T.
Identifiers: ClinVar variation 1335859 (VCV001335859.8), dbSNP rs2068814460, ClinGen allele CA409645100.
Genomic context (GRCh38, chr20:63,361,164, plus strand): 5'-GTCCCCAGAAGCAGCAGCAGCGGCGGCAGCAGCCGCGGCGCTCCGGGGCCCCCTAGCTCC[A>G]TGGCGCACGCACCTCGCGGGCTCTAGATGCGGGCGGCTCCCGGCTCCCCGCCGCTTCGAG-3'
Protein context (NP_000735.1, residues 1-11): [Met1Thr]ELGGPGAPRL